The following is an entry in ClinVar:

ClinVar aggregate classification (germline): Pathogenic (1 of 4 stars; one submission).

Conditions:
Mucopolysaccharidosis type 1. Also called: IDUA deficiency; MPS I; Mucopolysaccharidosis Type I. Identifiers: Orphanet 579, MedGen C0023786, MONDO:0001586.

Submission:

Labcorp Genetics (formerly Invitae), Labcorp
Classification: Pathogenic for Mucopolysaccharidosis type 1. Last evaluated: 2022-06-09. Review status: criteria provided, single submitter. Criteria: Invitae Variant Classification Sherloc (09022015). Collection method: clinical testing. Allele origin: germline.
Comment: This variant is not present in population databases (gnomAD no frequency). For these reasons, this variant has been classified as Pathogenic. This variant disrupts a region of the IDUA protein in which other variant(s) (p.Ser633Leu) have been determined to be pathogenic (PMID: 11735025, 16438163, 21480867, 26825088, 27146977). This suggests that this is a clinically significant region of the protein, and that variants that disrupt it are likely to be disease-causing. This variant has not been reported in the literature in individuals affected with IDUA-related conditions. This sequence change results in a frameshift in the IDUA gene (p.Glu571Aspfs*?). While this is not anticipated to result in nonsense mediated decay, it is expected to disrupt the last 83 amino acid(s) of the IDUA protein and extend the protein by an uncertain number of additional amino acid residues.

Literature cited by the submitters: PubMed 11735025; PubMed 16438163; PubMed 21480867; PubMed 26825088; PubMed 27146977.

NM_000203.5(IDUA):c.1713del (p.Glu571fs)

Gene: IDUA (alpha-L-iduronidase; plus strand). Cytogenetic location: 4p16.3.
Variant type: Deletion.
Coding change: c.1713del on transcript NM_000203.5 (MANE Select); coding-DNA position 1713, one base deleted (A; older notation c.1713delA).
Protein change: p.Glu571fs; shifts the reading frame from glutamic acid 571.
Molecular consequence: frameshift variant. On other transcripts: non-coding transcript variant (1).
Genome position (GRCh38, 1-based): chr4:1,003,611, A deleted; the last of 2 consecutive A bases (chr4:1,003,610-1,003,611); deleting either gives the same sequence. VCF-style (leftmost placement, unchanged base first): chr4-1003609-GA-G. GRCh37 (hg19) VCF-style: chr4-997397-GA-G.
Other names: c.1317del, p.Glu439fs (NM_001363576.1); short protein forms E571fs, E439fs.
Identifiers: ClinVar variation 2004130 (VCV002004130.4), dbSNP rs2534099760, ClinGen allele CA2580070696.